The following is an entry in ClinVar:

NM_000789.4(ACE):c.3725G>A (p.Arg1242His)

Gene: ACE (angiotensin I converting enzyme; plus strand). Cytogenetic location: 17q23.3.
Variant type: single nucleotide variant.
Coding change: c.3725G>A on transcript NM_000789.4 (MANE Select); coding-DNA position 3725, G replaced by A.
Protein change: p.Arg1242His; replaces arginine 1242 with histidine.
Molecular consequence: missense variant. On other transcripts: non-coding transcript variant (1).
Genome position (GRCh38, 1-based): chr17:63,497,170, G>A. VCF-style: chr17-63497170-G-A. GRCh37 (hg19) VCF-style: chr17-61574531-G-A.
Other names: c.1880G>A, p.Arg627His (NM_001178057.2); c.3158G>A, p.Arg1053His (NM_001382700.1); c.2873G>A, p.Arg958His (NM_001382701.1); c.1340G>A, p.Arg447His (NM_001382702.1); c.2003G>A, p.Arg668His (NM_152830.3); short protein forms R1053H, R958H, R447H, R1242H, R627H, R668H.
Identifiers: ClinVar variation 4750160 (VCV004750160.1).

ClinVar aggregate classification (germline): Uncertain significance (1 of 4 stars; one submission).

gnomAD v4.1: 127 of 1,604,018 alleles (0.0079%); highest among the groups gnomAD compares: Non-Finnish European, 0.01%; no homozygotes.

Submission:

Labcorp Genetics (formerly Invitae), Labcorp
Classification: Uncertain significance. Last evaluated: 2026-01-28. Review status: criteria provided, single submitter. Criteria: Invitae Variant Classification Sherloc (09022015). Collection method: clinical testing. Allele origin: germline.
Comment: This sequence change replaces arginine, which is basic and polar, with histidine, which is basic and polar, at codon 1242 of the ACE protein (p.Arg1242His). This variant is present in population databases (rs781198085, gnomAD 0.006%). This variant has not been reported in the literature in individuals affected with ACE-related conditions. Invitae Evidence Modeling of protein sequence and biophysical properties (such as structural, functional, and spatial information, amino acid conservation, physicochemical variation, residue mobility, and thermodynamic stability) indicates that this missense variant is not expected to disrupt ACE protein function with a negative predictive value of 80%. In summary, the available evidence is currently insufficient to determine the role of this variant in disease. Therefore, it has been classified as a Variant of Uncertain Significance.